The following is an entry in ClinVar:

NM_001378609.3(OTOGL):c.3934C>T (p.His1312Tyr)

Gene: OTOGL (otogelin like; plus strand). Cytogenetic location: 12q21.31.
Variant type: single nucleotide variant.
Coding change: c.3934C>T on transcript NM_001378609.3 (MANE Select); coding-DNA position 3934, C replaced by T.
Protein change: p.His1312Tyr; replaces histidine 1312 with tyrosine.
Molecular consequence: missense variant.
Genome position (GRCh38, 1-based): chr12:80,320,553, C>T. VCF-style: chr12-80320553-C-T. GRCh37 (hg19) VCF-style: chr12-80714333-C-T.
Other names: c.3799C>T, p.His1267Tyr (NM_001368062.3); c.3934C>T, p.His1312Tyr (NM_001378610.3, NM_173591.7); short protein forms H1267Y, H1312Y.
Identifiers: ClinVar variation 1333073 (VCV001333073.8), dbSNP rs534031917, ClinGen allele CA6701216.
Genomic context (GRCh38, chr12:80,320,553, plus strand): 5'-CTTAGCTTGGAGCTGTGGGAGGCGAATTCAGCCTTTCATCGGAGAGCAACATTTTTCCAC[C>T]ATCAGGGCCTCTGGATTCCTGGTTACAGTGCATTTGAGTTATACAGCAAGAAAGGCTTTT-3'
Protein context (NP_001365538.2, residues 1302-1322): AFHRRATFFH[His1312Tyr]QGLWIPGYSA

ClinVar aggregate classification (germline): Uncertain significance. Review status: criteria provided, multiple submitters, no conflicts (2 of 4 stars). 4 submissions from 4 submitters: Uncertain significance (4). Last evaluated 2022-05-18.

Conditions:
Inborn genetic diseases. Identifiers: MedGen C0950123, MeSH D030342.
Autosomal recessive nonsyndromic hearing loss 84B. Also called: Deafness, autosomal recessive 84b. Identifiers: Orphanet 90636, MedGen C3554159, MONDO:0013984, OMIM 614944.

Allele frequency attached by ClinVar (database versions not stated): gnomAD 0.00003 and 0.00006; TOPMed 0.00005; ExAC 0.00010; gnomAD exomes 0.00013 and 0.00017; 1000 Genomes Project 30x 0.00016; 1000 Genomes Project 0.00020.
gnomAD v4.1: 253 of 1,613,584 alleles (0.016%); highest among the groups gnomAD compares: East Asian, 0.56%; no homozygotes.

Submissions (4):

Department of Pathology and Laboratory Medicine, Sinai Health System
Classification: Uncertain significance for Autosomal recessive nonsyndromic hearing loss 84B. Last evaluated: 2022-05-18. Review status: criteria provided, single submitter. Criteria: ACMG Guidelines, 2015. Collection method: research. Allele origin: germline.

GeneDx
Classification: Uncertain significance. Last evaluated: 2021-12-23. Review status: criteria provided, single submitter. Criteria: GeneDx Variant Classification Process June 2021. Collection method: clinical testing. Allele origin: germline. Affected: yes.
Comment: In silico analysis supports that this missense variant has a deleterious effect on protein structure/function; Has not been previously published as pathogenic or benign to our knowledge

Labcorp Genetics (formerly Invitae), Labcorp
Classification: Uncertain significance. Last evaluated: 2021-09-01. Review status: criteria provided, single submitter. Criteria: Invitae Variant Classification Sherloc (09022015). Collection method: clinical testing. Allele origin: germline.

Ambry Genetics
Classification: Uncertain significance for Inborn genetic diseases. Last evaluated: 2021-08-23. Review status: criteria provided, single submitter. Criteria: Ambry Variant Classification Scheme 2023. Collection method: clinical testing. Allele origin: germline.